The following is an entry in ClinVar:

NM_001113491.2(SEPTIN9):c.146C>A (p.Thr49Asn)

Gene: SEPTIN9 (septin 9; plus strand). Cytogenetic location: 17q25.3.
Variant type: single nucleotide variant.
Coding change: c.146C>A on transcript NM_001113491.2 (MANE Select); coding-DNA position 146, C replaced by A.
Protein change: p.Thr49Asn; replaces threonine 49 with asparagine.
Molecular consequence: missense variant. On other transcripts: 5 prime UTR variant (2).
Genome position (GRCh38, 1-based): chr17:77,402,128, C>A. VCF-style: chr17-77402128-C-A. GRCh37 (hg19) VCF-style: chr17-75398210-C-A.
Other names: c.-347C>A (NM_001113492.2, NM_001113494.1); c.125C>A, p.Thr42Asn (NM_001113493.2); c.89C>A, p.Thr30Asn (NM_001293695.2); c.92C>A, p.Thr31Asn (NM_006640.5); short protein forms T31N, T49N, T42N, T30N.
Identifiers: ClinVar variation 891278 (VCV000891278.8), dbSNP rs549141429, ClinGen allele CA8793133.

ClinVar aggregate classification (germline): Conflicting classifications of pathogenicity. Review status: criteria provided, conflicting classifications (1 of 4 stars). 3 submissions from 3 submitters: Uncertain significance (1); Likely benign (1). 1 of the submissions does not count toward it. Last evaluated 2024-08-08.

Conditions:
Amyotrophic neuralgia (HNA). Also called: Hereditary Brachial Plexus Neuropathy; Neuritis with Brachial Predilection; AMYOTROPHY, HEREDITARY NEURALGIC, WITH PREDILECTION FOR BRACHIAL PLEXUS; AMYOTROPHY, HEREDITARY NEURALGIC. Identifiers: Orphanet 2901, MedGen C1834304, MONDO:0008076, OMIM 162100.

Allele frequency attached by ClinVar (database versions not stated): gnomAD exomes 0.00001 and 0.00004; TOPMed 0.00002; ExAC 0.00003; gnomAD 0.00004; 1000 Genomes Project 30x 0.00031; 1000 Genomes Project 0.00040.
gnomAD v4.1: 17 of 1,613,922 alleles (0.0011%); highest among the groups gnomAD compares: East Asian, 0.036%; no homozygotes.

Submissions (3):

Labcorp Genetics (formerly Invitae), Labcorp
Classification: Uncertain significance. Last evaluated: 2024-08-08. Review status: criteria provided, single submitter. Criteria: Invitae Variant Classification Sherloc (09022015). Collection method: clinical testing. Allele origin: germline.
Comment: This sequence change replaces threonine, which is neutral and polar, with asparagine, which is neutral and polar, at codon 31 of the SEPT9 protein (p.Thr31Asn). This variant is present in population databases (rs549141429, gnomAD 0.06%). This variant has not been reported in the literature in individuals affected with SEPT9-related conditions. ClinVar contains an entry for this variant (Variation ID: 891278). Advanced modeling of protein sequence and biophysical properties (such as structural, functional, and spatial information, amino acid conservation, physicochemical variation, residue mobility, and thermodynamic stability) performed at Invitae indicates that this missense variant is not expected to disrupt SEPT9 protein function with a negative predictive value of 80%. In summary, the available evidence is currently insufficient to determine the role of this variant in disease. Therefore, it has been classified as a Variant of Uncertain Significance.

Illumina Laboratory Services, Illumina
Classification: Likely benign for Amyotrophy, hereditary neuralgic. Last evaluated: 2018-01-12. Review status: criteria provided, single submitter. Criteria: ICSL Variant Classification Criteria 13 December 2019. Collection method: clinical testing. Allele origin: germline.
Comment: This variant was observed in the ICSL laboratory as part of a predisposition screen in an ostensibly healthy population. It had not been previously curated by ICSL or reported in the Human Gene Mutation Database (HGMD: prior to June 1st, 2018), and was therefore a candidate for classification through an automated scoring system. Utilizing variant allele frequency, disease prevalence and penetrance estimates, and inheritance mode, an automated score was calculated to assess if this variant is too frequent to cause the disease. Based on the score and internal cut-off values, a variant classified as likely benign is not then subjected to further curation. The score for this variant resulted in a classification of likely benign for this disease.

Department of Pathology and Laboratory Medicine, Sinai Health System
Classification: Uncertain significance. Review status: no assertion criteria provided. Collection method: clinical testing. Allele origin: unknown. Affected: yes. Study: The Canadian Open Genetics Repository (COGR). Not counted in ClinVar's aggregate classification.
Comment: The SEPT9 p.Thr30Asn variant was not identified in the literature nor was it identified in ClinVar, Cosmic or LOVD 3.0. The variant was identified in dbSNP (ID: rs549141429) and in control databases in 12 of 279982 chromosomes at a frequency of 0.000043 (Genome Aggregation Database Feb 27, 2017). The variant was observed in the East Asian population in 12 of 19536 chromosomes (freq: 0.000614), but not in the African, Latino, Ashkenazi Jewish, European (Finnish), European (non-Finnish), Other, and South Asian populations. The p.Thr30 residue is conserved in mammals but not in more distantly related organisms, however computational analyses (PolyPhen-2, SIFT, AlignGVGD, BLOSUM, MutationTaster) do not suggest a high likelihood of impact to the protein; this information is not predictive enough to rule out pathogenicity. The variant occurs outside of the splicing consensus sequence and in silico or computational prediction software programs (SpliceSiteFinder, MaxEntScan, NNSPLICE, GeneSplicer) do not predict a difference in splicing. In summary, based on the above information the clinical significance of this variant cannot be determined with certainty at this time. This variant is classified as a variant of uncertain significance.